The following is an entry in ClinVar:

ClinVar aggregate classification (germline): Uncertain significance. Review status: criteria provided, multiple submitters, no conflicts (2 of 4 stars). 3 submissions from 3 submitters: Uncertain significance (3). Last evaluated 2025-08-21.

Conditions:
Pseudohypoaldosteronism type 2C (PHA2C). Also called: Pseudohypoaldosteronism Type IIC. Identifiers: Orphanet 757, Orphanet 88940, MedGen C1840391, MONDO:0013778, OMIM 614492.
Neuropathy, hereditary sensory and autonomic, type 2A (HSAN2A). Also called: MORVAN DISEASE; NEUROPATHY, CONGENITAL SENSORY; NEUROPATHY, HEREDITARY SENSORY RADICULAR, AUTOSOMAL RECESSIVE; NEUROPATHY, HEREDITARY SENSORY, TYPE IIA; NEUROPATHY, PROGRESSIVE SENSORY, OF CHILDREN; WNK1-Related HSAN2 (HSAN2A). Identifiers: Orphanet 970, MedGen C2752089, MONDO:0024309, OMIM 201300.
Inborn genetic diseases. Identifiers: MedGen C0950123, MeSH D030342.

Allele frequency attached by ClinVar (database versions not stated): ExAC 0.00002; gnomAD exomes 0.00003 and 0.00013; TOPMed 0.00003; gnomAD 0.00004 and 0.00005.
gnomAD v4.1: 192 of 1,614,078 alleles (0.012%); highest among the groups gnomAD compares: Non-Finnish European, 0.016%; no homozygotes.

Submissions (3):

Labcorp Genetics (formerly Invitae), Labcorp
Classification: Uncertain significance for Neuropathy, hereditary sensory and autonomic, type 2A; Pseudohypoaldosteronism type 2C. Last evaluated: 2025-08-21. Review status: criteria provided, single submitter. Criteria: Invitae Variant Classification Sherloc (09022015). Collection method: clinical testing. Allele origin: germline.
Comment: This sequence change replaces isoleucine, which is neutral and non-polar, with threonine, which is neutral and polar, at codon 1668 of the WNK1 protein (p.Ile1668Thr). This variant is present in population databases (rs763397988, gnomAD 0.007%). This variant has not been reported in the literature in individuals affected with WNK1-related conditions. ClinVar contains an entry for this variant (Variation ID: 836363). Invitae Evidence Modeling of protein sequence and biophysical properties (such as structural, functional, and spatial information, amino acid conservation, physicochemical variation, residue mobility, and thermodynamic stability) indicates that this missense variant is not expected to disrupt WNK1 protein function with a negative predictive value of 95%. In summary, the available evidence is currently insufficient to determine the role of this variant in disease. Therefore, it has been classified as a Variant of Uncertain Significance.

Mayo Clinic Laboratories, Mayo Clinic
Classification: Uncertain significance. Last evaluated: 2024-07-26. Review status: criteria provided, single submitter. Criteria: ACMG Guidelines, 2015. Collection method: clinical testing. Allele origin: germline. Observed: 1 variant allele.
Comment: BP4

Ambry Genetics
Classification: Uncertain significance for Inborn genetic diseases. Last evaluated: 2020-02-06. Review status: criteria provided, single submitter. Criteria: Ambry Variant Classification Scheme 2023. Collection method: clinical testing. Allele origin: germline.
Comment: The p.I1668T variant (also known as c.5003T>C), located in coding exon 19 of the WNK1 gene, results from a T to C substitution at nucleotide position 5003. The isoleucine at codon 1668 is replaced by threonine, an amino acid with similar properties. This amino acid position is poorly conserved in available vertebrate species. In addition, this alteration is predicted to be tolerated by in silico analysis. Since supporting evidence is limited at this time, the clinical significance of this alteration remains unclear.

NM_018979.4(WNK1):c.4247T>C (p.Ile1416Thr)

Gene: WNK1 (WNK lysine deficient protein kinase 1; plus strand). Cytogenetic location: 12p13.33.
Variant type: single nucleotide variant.
Coding change: c.4247T>C on transcript NM_018979.4 (MANE Select); coding-DNA position 4247, T replaced by C.
Protein change: p.Ile1416Thr; replaces isoleucine 1416 with threonine.
Molecular consequence: missense variant.
Genome position (GRCh38, 1-based): chr12:885,051, T>C. VCF-style: chr12-885051-T-C. GRCh37 (hg19) VCF-style: chr12-994217-T-C.
Other names: p.Ile1668Thr; c.5027T>C, p.Ile1676Thr (NM_001184985.2); c.3506T>C, p.Ile1169Thr (NM_014823.3); c.5003T>C, p.Ile1668Thr (NM_213655.5); short protein forms I1169T, I1676T, I1416T, I1668T.
Identifiers: ClinVar variation 836363 (VCV000836363.10), dbSNP rs763397988, ClinGen allele CA6382941.